The following is an entry in ClinVar:

ClinVar aggregate classification (germline): Uncertain significance. Review status: reviewed by expert panel (3 of 4 stars). 7 submissions from 7 submitters: Uncertain significance (1). 6 of the submissions do not count toward it. Last evaluated 2023-05-26.

Conditions:
Glycogen storage disease, type II (IOPD). Also called: Glycogen storage disease type 2; Acid maltase deficiency disease; Aglucosidase alfa; Deficiency of alpha-glucosidase; Deficiency of lysosomal alpha-glucosidase; CARDIOMEGALIA GLYCOGENICA DIFFUSA. Identifiers: Orphanet 365, MedGen C0017921, MONDO:0009290, OMIM 232300.

Allele frequency attached by ClinVar (database versions not stated): TOPMed 0.00002.
gnomAD v4.1: 53 of 1,604,034 alleles (0.0033%); highest among the groups gnomAD compares: Non-Finnish European, 0.0044%; no homozygotes.

Submissions (7):

ClinGen Lysosomal Storage Disorder Variant Curation Expert Panel
Classification: Uncertain significance for Glycogen storage disease, type II. Last evaluated: 2023-05-26. Review status: reviewed by expert panel. Criteria: clingen_lsd_acmg_specifications_v2-1. Collection method: curation. Allele origin: germline. Inheritance: Autosomal recessive inheritance.
Comment: The NM_000152.5(GAA):c.545C>G (p.Thr182Arg) variant in GAA has a highest population minor allele frequency in gnomAD v2.1.1 of 0.00010 (11/106436 alleles) in the European (Non-Finnish) population, which is lower than the ClinGen LD VCEP’s threshold for PM2_Supporting (<0.001), meeting this criterion (PM2_Supporting). The variant has been reported in the literature but not in individuals diagnosed with Pompe disease (PMID: 29149851, 33552729) (PP4 is not met). The computational predictor REVEL gives a score of 0.395, a score which does not clearly predict an impact on GAA function (PMID: 36413997). There is a ClinVar entry for this variant (Variation ID: 499380). In summary, this variant meets the criteria to be classified as a variant of uncertain significance for Pompe disease. GAA-specific ACMG/AMP criteria applied, as specified by the ClinGen Lysosomal Diseases VCEP (Specifications Version 2.0): PM2_Supporting. (Classification approved by the ClinGen Lysosomal Diseases VCEP on May 26, 2023).

Genomenon, Inc
Classification: Uncertain significance for Glycogen storage disease, type II. Last evaluated: 2026-07-01. Review status: criteria provided, single submitter. Criteria: Genomenon Sequence Variant Interpretation Standards - Updated. Collection method: curation. Allele origin: germline. Affected: no. Not counted in ClinVar's aggregate classification.
Comment: GAA p.Thr182Arg (c.545C>G) is a missense variant that changes the amino acid at codon 182 from Threonine to Arginine. This variant has been reported in the published literature (PMID:29149851). It is absent or not present at a significant frequency in gnomAD. In silico models predict that this variant is not damaging. In conclusion, we classify GAA p.Thr182Arg (c.545C>G) as a variant of uncertain significance.

Revvity Omics, Revvity
Classification: Uncertain significance. Last evaluated: 2024-09-09. Review status: criteria provided, single submitter. Criteria: ACMG Guidelines, 2015. Collection method: clinical testing. Allele origin: germline. Not counted in ClinVar's aggregate classification.

Labcorp Genetics (formerly Invitae), Labcorp
Classification: Uncertain significance for Glycogen storage disease, type II. Last evaluated: 2024-01-15. Review status: criteria provided, single submitter. Criteria: Invitae Variant Classification Sherloc (09022015). Collection method: clinical testing. Allele origin: germline. Not counted in ClinVar's aggregate classification.
Comment: This sequence change replaces threonine, which is neutral and polar, with arginine, which is basic and polar, at codon 182 of the GAA protein (p.Thr182Arg). This variant is present in population databases (rs200524747, gnomAD 0.01%). This variant has not been reported in the literature in individuals affected with GAA-related conditions. ClinVar contains an entry for this variant (Variation ID: 499380). An algorithm developed to predict the effect of missense changes on protein structure and function (PolyPhen-2) suggests that this variant¬†is likely to be tolerated. Algorithms developed to predict the effect of sequence changes on RNA splicing suggest that this variant may disrupt the consensus splice site. In summary, the available evidence is currently insufficient to determine the role of this variant in disease. Therefore, it has been classified as a Variant of Uncertain Significance.

GeneDx
Classification: Uncertain significance. Last evaluated: 2023-02-17. Review status: criteria provided, single submitter. Criteria: GeneDx Variant Classification Process June 2021. Collection method: clinical testing. Allele origin: germline. Affected: yes. Not counted in ClinVar's aggregate classification.
Comment: Not observed at significant frequency in large population cohorts (gnomAD); In silico analysis supports that this missense variant does not alter protein structure/function; This variant is associated with the following publications: (PMID: 29149851, 22253258, 19343043)

Eurofins Ntd Llc (ga)
Classification: Uncertain significance. Last evaluated: 2017-10-09. Review status: criteria provided, single submitter. Criteria: EGL Classification Definitions 2015. Collection method: clinical testing. Allele origin: germline. Observed: 2 variant alleles, 2 heterozygotes. Not counted in ClinVar's aggregate classification.

Natera, Inc.
Classification: Uncertain significance for Glycogen storage disease type II. Last evaluated: 2020-07-17. Review status: no assertion criteria provided. Collection method: clinical testing. Allele origin: germline. Not counted in ClinVar's aggregate classification.

Literature cited by the submitters: PubMed 29149851 (cited by Genomenon, Inc).

NM_000152.5(GAA):c.545C>G (p.Thr182Arg)

Gene: GAA (alpha glucosidase; plus strand). Cytogenetic location: 17q25.3.
Variant type: single nucleotide variant.
Coding change: c.545C>G on transcript NM_000152.5 (MANE Select); coding-DNA position 545, C replaced by G.
Protein change: p.Thr182Arg; replaces threonine 182 with arginine.
Molecular consequence: missense variant.
Genome position (GRCh38, 1-based): chr17:80,105,131, C>G. VCF-style: chr17-80105131-C-G. GRCh37 (hg19) VCF-style: chr17-78078930-C-G.
Other names: c.545C>G (LRG_673t1); c.545C>G, p.Thr182Arg (NM_001079803.3, NM_001079804.3); short protein forms T182R.
Identifiers: ClinVar variation 499380 (VCV000499380.19), dbSNP rs200524747, ClinGen allele CA8814893.